The following is an entry in ClinVar:

ClinVar aggregate classification (germline): Likely benign. Review status: criteria provided, multiple submitters, no conflicts (2 of 4 stars). 3 submissions from 3 submitters: Likely benign (3). Last evaluated 2025-12-29.

Conditions:
Familial cancer of breast. Also called: Hereditary breast cancer; BREAST CANCER, FAMILIAL; hereditary breast carcinoma. Identifiers: Orphanet 227535, MedGen C0346153, MONDO:0016419, OMIM 114480. Disease mechanism: loss of function.
Ataxia-telangiectasia syndrome (AT). Also called: ATAXIA-TELANGIECTASIA, COMPLEMENTATION GROUP A; Ataxia telangiectasia (A-T); Ataxia-telangiectasia, complementation group E; Ataxia-telangiectasia; Cerebello-oculocutaneous telangiectasia; Immunodeficiency with ataxia telangiectasia. Identifiers: Orphanet 100, MedGen C0004135, MONDO:0008840, OMIM 208900.

Submissions (3):

Center for Genomic Medicine, Rigshospitalet, Copenhagen University Hospital
Classification: Likely benign. Last evaluated: 2025-12-29. Review status: criteria provided, single submitter. Criteria: ACMG Guidelines, 2015. Collection method: clinical testing. Allele origin: germline.
Comment: Classification criteria: BP4

Myriad Genetics, Inc.
Classification: Likely benign for Familial cancer of breast. Last evaluated: 2024-05-17. Review status: criteria provided, single submitter. Criteria: Myriad Autosomal Dominant, Autosomal Recessive and X-Linked Classification Criteria (2023). Collection method: clinical testing. Allele origin: unknown.
Comment: This variant is considered likely benign. This variant is intronic and is not expected to impact mRNA splicing.

Labcorp Genetics (formerly Invitae), Labcorp
Classification: Likely benign for Ataxia-telangiectasia syndrome. Last evaluated: 2024-01-03. Review status: criteria provided, single submitter. Criteria: Invitae Variant Classification Sherloc (09022015). Collection method: clinical testing. Allele origin: germline.

NM_000051.4(ATM):c.4237-18A>C

Gene: ATM (ATM serine/threonine kinase; plus strand). Cytogenetic location: 11q22.3.
Variant type: single nucleotide variant.
Coding change: c.4237-18A>C on transcript NM_000051.4 (MANE Select); 18 bases into the intron before coding-DNA position 4237, A replaced by C.
Molecular consequence: intron variant.
Genome position (GRCh38, 1-based): chr11:108,289,584, A>C. VCF-style: chr11-108289584-A-C. GRCh37 (hg19) VCF-style: chr11-108160311-A-C.
Other names: c.4237-18A>C (NM_001351834.2).
Identifiers: ClinVar variation 1572818 (VCV001572818.10), dbSNP rs756842639, ClinGen allele CA2573146564.